The following is an entry in ClinVar:

ClinVar aggregate classification (germline): Pathogenic. Review status: reviewed by expert panel (3 of 4 stars). 4 submissions from 4 submitters: Pathogenic (1). 3 of the submissions do not count toward it. Last evaluated 2016-09-08.

Conditions:
Hereditary cancer-predisposing syndrome. Also called: Neoplastic Syndromes, Hereditary; Tumor predisposition; Hereditary neoplastic syndrome; Hereditary Cancer Syndrome. Identifiers: Orphanet 140162, MedGen C0027672, MeSH D009386, MONDO:0015356.
Malignant tumor of breast. Also called: Malignant breast neoplasm; Cancer breast. Identifiers: MedGen C0006142, MONDO:0007254. Disease mechanism: loss of function.
Breast-ovarian cancer, familial, susceptibility to, 2 (BROVCA2). Also called: BRCA2 Hereditary Breast and Ovarian Cancer. Identifiers: Orphanet 145, MedGen C2675520, MONDO:0012933, OMIM 612555. Disease mechanism: loss of function.

Submissions (4):

Evidence-based Network for the Interpretation of Germline Mutant Alleles (ENIGMA)
Classification: Pathogenic for Breast-ovarian cancer, familial, susceptibility to, 2. Last evaluated: 2016-09-08. Review status: reviewed by expert panel. Criteria: ENIGMA BRCA1/2 Classification Criteria (2015). Collection method: curation. Allele origin: germline.
Comment: Variant allele predicted to encode a truncated non-functional protein.

Ambry Genetics
Classification: Pathogenic for Hereditary cancer-predisposing syndrome. Last evaluated: 2024-02-19. Review status: criteria provided, single submitter. Criteria: Ambry Variant Classification Scheme 2023. Collection method: clinical testing. Allele origin: germline. Not counted in ClinVar's aggregate classification.
Comment: The c.8206dupC pathogenic mutation, located in coding exon 17 of the BRCA2 gene, results from a duplication of C at nucleotide position 8206, causing a translational frameshift with a predicted alternate stop codon (p.L2736Pfs*28). This mutation has been reported in both breast and prostate cancer cohorts (Patel VL et al. Cancer Res, 2020 Feb;80:624-638; Lerner-Ellis J et al. J Cancer Res Clin Oncol, 2021 Mar;147:871-879; Hodgson D et al. Ann Oncol, 2021 Dec;32:1582-1589). In addition to the clinical data presented in the literature, this alteration is expected to result in loss of function by premature protein truncation or nonsense-mediated mRNA decay. As such, this alteration is interpreted as a disease-causing mutation.

Consortium of Investigators of Modifiers of BRCA1/2 (CIMBA), c/o University of Cambridge
Classification: Pathogenic for Breast-ovarian cancer, familial, susceptibility to, 2. Last evaluated: 2015-10-02. Review status: criteria provided, single submitter. Criteria: CIMBA Mutation Classification guidelines May 2016. Collection method: clinical testing. Allele origin: germline. Not counted in ClinVar's aggregate classification.

Department of Pathology and Laboratory Medicine, Sinai Health System
Classification: Pathogenic for Malignant tumor of breast. Review status: no assertion criteria provided. Collection method: clinical testing. Allele origin: unknown. Affected: yes. Observed: 1 variant allele. Study: The Canadian Open Genetics Repository (COGR). Not counted in ClinVar's aggregate classification.
Comment: The BRCA2 p.Leu2736Profs*28 variant was not identified in the literature nor was it identified in the UMD-LSDB database. The variant was identified in dbSNP (ID: rs397507968) as "With Pathogenic allele", ClinVar (classified as pathogenic by ENIGMA and CIMBA), and in LOVD 3.0 (7x as pathogenic). The variant was not identified in the following control databases: the Exome Aggregation Consortium (August 8th 2016), or the Genome Aggregation Database (Feb 27, 2017). The c.8206dup variant is predicted to cause a frameshift, which alters the protein's amino acid sequence beginning at codon 2736 and leads to a premature stop codon at position 63. This alteration is then predicted to result in a truncated or absent protein and loss of function. Loss of function variants of the BRCA2 gene are an established mechanism of disease in breast or ovarian cancer and is the type of variant expected to cause the disorder. In summary, based on the above information this variant meets our laboratoryâ€šÃ„Ã´s criteria to be classified as pathogenic.

Literature cited by the submitters: PubMed 31723001 (cited by Ambry Genetics); PubMed 32885271 (cited by Ambry Genetics); PubMed 34500047 (cited by Ambry Genetics).

NM_000059.4(BRCA2):c.8206dup (p.Leu2736fs)

Gene: BRCA2 (BRCA2 DNA repair associated; plus strand). Cytogenetic location: 13q13.1.
Variant type: Duplication.
Coding change: c.8206dup on transcript NM_000059.4 (MANE Select); coding-DNA position 8206, one base duplicated (C; older notation c.8206dupC).
Protein change: p.Leu2736fs; shifts the reading frame from leucine 2736.
Molecular consequence: frameshift variant.
Genome position (GRCh38, 1-based): chr13:32,363,408, C duplicated; the last of 4 consecutive C bases (chr13:32,363,405-32,363,408); duplicating any one gives the same sequence. VCF-style (leftmost placement, unchanged base first): chr13-32363404-T-TC. GRCh37 (hg19) VCF-style: chr13-32937541-T-TC.
Other names: c.8206dupC (NM_000059.3); short protein forms L2736fs.
Identifiers: ClinVar variation 52527 (VCV000052527.7), dbSNP rs397507396, ClinGen allele CA025513.